The following is an entry in ClinVar:

ClinVar aggregate classification (germline): Uncertain significance (1 of 4 stars; one submission).

Conditions:
Cerebral cavernous malformations 5. Identifiers: MedGen C5975541, MONDO:0975952, OMIM 621032.

gnomAD v4.1: 172 of 1,614,190 alleles (0.011%); highest among the groups gnomAD compares: African/African-American, 0.19%; no homozygotes.

Submission:

Clinical Genomics Laboratory, Washington University in St. Louis
Classification: Uncertain significance for Cerebral cavernous malformations 5. Last evaluated: 2024-05-15. Review status: criteria provided, single submitter. Criteria: ACMG Guidelines, 2015. Collection method: clinical testing. Allele origin: germline.
Comment: A MAP3K3 c.1313C>G (p.Thr438Ser) variant was identified at a near heterozygous allelic fraction of 47%, a frequency which may be consistent with it being of germline origin. This variant, to our knowledge, has not been reported in the medical literature and is only observed on 172/1,614,190 alleles in the general population (gnomAD v4.1.0). Computational predictors suggest that this variant does not impact MAP3K3 function. The MAP3K3 c.1313C>G (p.Thr438Ser) variant resides within the kinase domain of MAP3K3 that is defined as a critical functional domain (Weng J et al., PMID: 33891857). Due to limited information, and based on ACMG/AMP guidelines for variant interpretation (Richards S et al., PMID: 25741868), the clinical significance of this variant is uncertain at this time.

NM_002401.5(MAP3K3):c.1313C>G (p.Thr438Ser)

Gene: MAP3K3 (mitogen-activated protein kinase kinase kinase 3; plus strand). Cytogenetic location: 17q23.3.
Variant type: single nucleotide variant.
Coding change: c.1313C>G on transcript NM_002401.5 (MANE Select); coding-DNA position 1313, C replaced by G.
Protein change: p.Thr438Ser; replaces threonine 438 with serine.
Molecular consequence: missense variant.
Genome position (GRCh38, 1-based): chr17:63,691,202, C>G. VCF-style: chr17-63691202-C-G. GRCh37 (hg19) VCF-style: chr17-61768562-C-G.
Other names: c.1301C>G, p.Thr434Ser (NM_001330431.2); c.1394C>G, p.Thr465Ser (NM_001363768.2); c.1406C>G, p.Thr469Ser (NM_203351.3); short protein forms T434S, T438S, T465S, T469S.
Identifiers: ClinVar variation 3600420 (VCV003600420.1).
Genomic context (GRCh38, chr17:63,691,202, plus strand): 5'-ACTTGCAGCATGAGCGCATCGTGCAGTACTATGGCTGTCTGCGGGACCGCGCTGAGAAGA[C>G]CCTGACCATCTTCATGGAGTACATGCCAGGGGTACGTGCCCCTTGAATGCATGTGAGACA-3'
Protein context (NP_002392.2, residues 428-448): YGCLRDRAEK[Thr438Ser]LTIFMEYMPG